The following is an entry in ClinVar:

ClinVar aggregate classification (germline): Uncertain significance. Review status: criteria provided, multiple submitters, no conflicts (2 of 4 stars). 2 submissions from 2 submitters: Uncertain significance (2). Last evaluated 2023-09-14.

Conditions:
ATR-related disorder. Also called: ATR-related condition.

Allele frequency attached by ClinVar (database versions not stated): gnomAD exomes below 0.00001 and 0.00001; ExAC 0.00002; gnomAD 0.00002; TOPMed 0.00002; ESP Exome Variant Server 0.00008.
gnomAD v4.1: 4 of 1,613,816 alleles (0.00025%); highest among the groups gnomAD compares: African/African-American, 0.0053%; no homozygotes.

Submissions (2):

PreventionGenetics, part of Exact Sciences
Classification: Uncertain significance for ATR-related condition. Last evaluated: 2023-09-14. Review status: criteria provided, single submitter. Criteria: ACMG Guidelines, 2015. Collection method: clinical testing. Allele origin: germline.
Comment: The ATR c.1619A>G variant is predicted to result in the amino acid substitution p.Tyr540Cys. To our knowledge, this variant has not been reported in the literature. This variant is reported in 0.012% of alleles in individuals of African descent in gnomAD. At this time, the clinical significance of this variant is uncertain due to the absence of conclusive functional and genetic evidence.

Labcorp Genetics (formerly Invitae), Labcorp
Classification: Uncertain significance. Last evaluated: 2021-10-05. Review status: criteria provided, single submitter. Criteria: Invitae Variant Classification Sherloc (09022015). Collection method: clinical testing. Allele origin: germline.
Comment: In summary, the available evidence is currently insufficient to determine the role of this variant in disease. Therefore, it has been classified as a Variant of Uncertain Significance. Algorithms developed to predict the effect of missense changes on protein structure and function (SIFT, PolyPhen-2, Align-GVGD) all suggest that this variant is likely to be tolerated. This variant has not been reported in the literature in individuals affected with ATR-related conditions. This variant is present in population databases (rs371466221, ExAC 0.02%). This sequence change replaces tyrosine with cysteine at codon 540 of the ATR protein (p.Tyr540Cys). The tyrosine residue is weakly conserved and there is a large physicochemical difference between tyrosine and cysteine.

NM_001184.4(ATR):c.1619A>G (p.Tyr540Cys)

Gene: ATR (ATR checkpoint kinase; minus strand). Cytogenetic location: 3q23.
Variant type: single nucleotide variant.
Coding change: c.1619A>G on transcript NM_001184.4 (MANE Select); coding-DNA position 1619, A replaced by G.
Protein change: p.Tyr540Cys; replaces tyrosine 540 with cysteine.
Molecular consequence: missense variant.
Genome position (GRCh38, 1-based): chr3:142,559,364, T>C on the plus strand (A>G on the coding strand, the complement: ATR is on the minus strand). VCF-style: chr3-142559364-T-C. GRCh37 (hg19) VCF-style: chr3-142278206-T-C.
Other names: c.1427A>G, p.Tyr476Cys (NM_001354579.2); c.1619A>G (NM_001184.3); short protein forms Y476C, Y540C.
Identifiers: ClinVar variation 1008465 (VCV001008465.7), dbSNP rs371466221, ClinGen allele CA2650550.